The following is an entry in ClinVar:

ClinVar aggregate classification (germline): Likely benign. Review status: criteria provided, multiple submitters, no conflicts (2 of 4 stars). 2 submissions from 2 submitters: Likely benign (2). Last evaluated 2025-07-18.

gnomAD v4.1: 8 of 1,613,358 alleles (0.0005%); highest among the groups gnomAD compares: Admixed American, 0.0033%; no homozygotes.

Submissions (2):

Mayo Clinic Laboratories, Mayo Clinic
Classification: Likely benign. Last evaluated: 2025-07-18. Review status: criteria provided, single submitter. Criteria: ACMG Guidelines, 2015. Collection method: clinical testing. Allele origin: germline. Observed: 1 variant allele.
Comment: BP4, BP7

Labcorp Genetics (formerly Invitae), Labcorp
Classification: Likely benign. Last evaluated: 2024-10-05. Review status: criteria provided, single submitter. Criteria: Invitae Variant Classification Sherloc (09022015). Collection method: clinical testing. Allele origin: germline.

NM_002972.4(SBF1):c.867C>T (p.Asn289=)

Gene: SBF1 (SET binding factor 1; minus strand). Cytogenetic location: 22q13.33.
Variant type: single nucleotide variant.
Coding change: c.867C>T on transcript NM_002972.4 (MANE Select); coding-DNA position 867, C replaced by T.
Protein change: p.Asn289=; no amino-acid change (asparagine 289 retained).
Molecular consequence: synonymous variant.
Genome position (GRCh38, 1-based): chr22:50,466,180, G>A on the plus strand (C>T on the coding strand, the complement: SBF1 is on the minus strand). VCF-style: chr22-50466180-G-A. GRCh37 (hg19) VCF-style: chr22-50904609-G-A.
Other names: p.Asn289=; c.870C>T, p.Asn290= (NM_001365819.1, NM_001410794.1); c.867C>T, p.Asn289= (NM_001410795.1).
Identifiers: ClinVar variation 3604080 (VCV003604080.3).